The following is an entry in ClinVar:

ClinVar aggregate classification (germline): Uncertain significance (1 of 4 stars; one submission).

Allele frequency attached by ClinVar (database versions not stated): gnomAD exomes below 0.00001.

Submission:

Labcorp Genetics (formerly Invitae), Labcorp
Classification: Uncertain significance. Last evaluated: 2022-03-20. Review status: criteria provided, single submitter. Criteria: Invitae Variant Classification Sherloc (09022015). Collection method: clinical testing. Allele origin: germline.
Comment: This variant has not been reported in the literature in individuals affected with MCM3AP-related conditions. This sequence change replaces methionine, which is neutral and non-polar, with isoleucine, which is neutral and non-polar, at codon 1181 of the MCM3AP protein (p.Met1181Ile). This variant is not present in population databases (gnomAD no frequency). Algorithms developed to predict the effect of missense changes on protein structure and function (SIFT, PolyPhen-2, Align-GVGD) all suggest that this variant is likely to be tolerated. In summary, the available evidence is currently insufficient to determine the role of this variant in disease. Therefore, it has been classified as a Variant of Uncertain Significance.

NM_003906.5(MCM3AP):c.3543G>A (p.Met1181Ile)

Gene: MCM3AP (minichromosome maintenance complex component 3 associated protein; minus strand). Cytogenetic location: 21q22.3.
Variant type: single nucleotide variant.
Coding change: c.3543G>A on transcript NM_003906.5 (MANE Select); coding-DNA position 3543, G replaced by A.
Protein change: p.Met1181Ile; replaces methionine 1181 with isoleucine.
Molecular consequence: missense variant.
Genome position (GRCh38, 1-based): chr21:46,260,831, C>T on the plus strand (G>A on the coding strand, the complement: MCM3AP is on the minus strand). VCF-style: chr21-46260831-C-T. GRCh37 (hg19) VCF-style: chr21-47680745-C-T.
Other names: short protein forms M1181I.
Identifiers: ClinVar variation 1521683 (VCV001521683.8), dbSNP rs2145662876, ClinGen allele CA410554307.